The following is an entry in ClinVar:

ClinVar aggregate classification (germline): Uncertain significance (1 of 4 stars; one submission).

Conditions:
Mucopolysaccharidosis, MPS-IV-B (MPS4B). Also called: Mucopolysaccharidosis type IV B; Mucopolysaccharidosis Type IVB; Mucopolysaccharidosis type IVB (Morquio); MPS IVB; MORQUIO SYNDROME B; Mucopolysaccharidosis Type IVB (Morquio B Disease). Identifiers: Orphanet 309310, Orphanet 582, MedGen C0086652, MONDO:0009660, OMIM 253010.
GM1 gangliosidosis. Identifiers: Orphanet 354, MedGen C0085131, MONDO:0018149.

Submission:

Labcorp Genetics (formerly Invitae), Labcorp
Classification: Uncertain significance for Mucopolysaccharidosis, MPS-IV-B; GM1 gangliosidosis. Last evaluated: 2022-04-13. Review status: criteria provided, single submitter. Criteria: Invitae Variant Classification Sherloc (09022015). Collection method: clinical testing. Allele origin: germline.
Comment: This variant occurs in a non-coding region of the GLB1 gene. It does not change the encoded amino acid sequence of the GLB1 protein. This variant is not present in population databases (gnomAD no frequency). This variant has been observed in individual(s) with lysosomal disorders (PMID: 33673364). Experimental studies and prediction algorithms are not available or were not evaluated, and the functional significance of this variant is currently unknown. In summary, the available evidence is currently insufficient to determine the role of this variant in disease. Therefore, it has been classified as a Variant of Uncertain Significance.

Literature cited by the submitters: PubMed 33673364.

NC_000003.12:g.33097285A>C

Genes: GLB1 (galactosidase beta 1; minus strand), LOC129936434 (ATAC-STARR-seq lymphoblastoid silent region 14182; plus strand). Cytogenetic location: 3p22.3.
Variant type: single nucleotide variant.
Genome position: GRCh38 VCF-style: chr3-33097285-A-C. GRCh37 (hg19) VCF-style: chr3-33138777-A-C.
Identifiers: ClinVar variation 2143339 (VCV002143339.2), dbSNP rs17522946, ClinGen allele CA2580069242.
Genomic context (GRCh38, chr3:33,097,285, plus strand): 5'-GCTGTGGCCGAGCCGGGCGGGTGGGGGCGGCTAGGAGGCTGCGCGCCGCCGCGTGACTCC[A>C]GGATAGTACTATCTGGGTTTTGCAGGCGTCTTCCCTGGGAAGGGACCCTTTGGAACTGCA-3'